The following is an entry in ClinVar:

NM_000283.4(PDE6B):c.2353-7_2353-3del

Gene: PDE6B (phosphodiesterase 6B; plus strand). Cytogenetic location: 4p16.3.
Variant type: Deletion.
Coding change: c.2353-7_2353-3del on transcript NM_000283.4 (MANE Select); 7 bases into the intron before coding-DNA position 2353 through 3 bases into the intron before coding-DNA position 2353, 5 bases deleted (CCCTC; older notation c.2353-7_2353-3delCCCTC).
Molecular consequence: intron variant.
Genome position (GRCh38, 1-based): chr4:667,849-667,853, CCCTC deleted; deleting any 5 consecutive bases within chr4:667,846-667,853 gives the same sequence; the c. name uses the placement nearest the transcript's 3' end. VCF-style (leftmost placement, unchanged base first): chr4-667845-ACTCCC-A. GRCh37 (hg19) VCF-style: chr4-661634-ACTCCC-A.
Other names: c.2353-7_2353-3del (NM_001145291.2); c.1516-7_1516-3del (NM_001379246.1, NM_001379247.1, NM_001145292.2 and 1 more transcripts); c.1198-7_1198-3del (NM_001350155.3).
Identifiers: ClinVar variation 931878 (VCV000931878.3), dbSNP rs1737974000, ClinGen allele CA1139658410.
Genomic context (GRCh38, chr4:667,845, plus strand): 5'-GGGGAAGGGCTATCTTACTCTGGAGAGAGCAGGCAGGACAGGACTGGTGGTGACTTCTCG[ACTCCC>A]CTCAGGAGTTCTCTCGTTTCCACGAAGAGATCCTGCCCATGTTCGACCGACTGCAGAACA-3'

ClinVar aggregate classification (germline): Uncertain significance (1 of 4 stars; one submission).

Conditions:
Retinitis pigmentosa 40 (RP40). Identifiers: Orphanet 791, MedGen C3151107, MONDO:0013429, OMIM 613801.

Submission:

Centre for Mendelian Genomics, University Medical Centre Ljubljana
Classification: Uncertain significance for Retinitis pigmentosa 40. Last evaluated: 2020-03-07. Review status: criteria provided, single submitter. Criteria: ACMG Guidelines, 2015. Collection method: clinical testing. Allele origin: unknown. Affected: yes.
Comment: This variant was classified as: Uncertain significance. The available evidence favors the pathogenic nature of this variant, however the currently available data is insufficient to conclusively support its pathogenic nature. Thus this variant is classified as Uncertain significance - favor pathogenic. The following ACMG criteria were applied in classifying this variant: PM2.